The following is an entry in ClinVar:

NM_001142800.2(EYS):c.6079-24TC[12]

Gene: EYS (EGF-like photoreceptor maintenance factor; minus strand). Cytogenetic location: 6q12.
Variant type: Microsatellite.
Coding change: c.6079-24TC[12] on transcript NM_001142800.2 (MANE Select); 12 copies in a row of the 2-base unit TC starting at c.6079-24; the reference has 11 copies in a row; one copy, 2 bases duplicated.
Molecular consequence: intron variant.
Genome position (GRCh38, 1-based): chr6:64,307,085-64,307,086, GA duplicated on the plus strand (TC on the coding strand, the reverse complement: EYS is on the minus strand); duplicating any 2 consecutive bases within chr6:64,307,085-64,307,106 gives the same sequence; the position shown is the placement nearest the transcript's 3' end. VCF-style (leftmost placement, unchanged base first): chr6-64307084-T-TGA. GRCh37 (hg19) VCF-style: chr6-65016977-T-TGA.
Other names: c.6079-4_6079-3dupTC (NM_001142800.2, NM_001142800.1); c.6079-24TC[12] (NM_001292009.2).
Identifiers: ClinVar variation 790350 (VCV000790350.13), dbSNP rs35395170, ClinGen allele CA3876941.

ClinVar aggregate classification (germline): Benign/Likely benign. Review status: criteria provided, multiple submitters, no conflicts (2 of 4 stars). 4 submissions from 4 submitters: Benign (1); Likely benign (2). 1 of the submissions does not count toward it. Last evaluated 2026-05-14.

Conditions:
EYS-related disorder. Also called: EYS-related condition.
Retinitis pigmentosa (RP). Identifiers: Orphanet 791, MedGen C0035334, MeSH D012174, MONDO:0019200, OMIM 268000. Inheritance: Autosomal dominant, autosomal recessive and X linked inheritance.

Submissions (4):

PreventionGenetics, part of Exact Sciences
Classification: Likely benign for EYS-related condition. Last evaluated: 2026-05-14. Review status: criteria provided, single submitter. Criteria: ACMG Guidelines, 2015. Collection method: clinical testing. Allele origin: germline.
Comment: This variant is classified as likely benign based on ACMG/AMP sequence variant interpretation guidelines (Richards et al. 2015 PMID: 25741868, with internal and published modifications).

Labcorp Genetics (formerly Invitae), Labcorp
Classification: Benign. Last evaluated: 2026-01-19. Review status: criteria provided, single submitter. Criteria: Invitae Variant Classification Sherloc (09022015). Collection method: clinical testing. Allele origin: germline.

Blueprint Genetics
Classification: Likely benign. Last evaluated: 2024-09-06. Review status: criteria provided, single submitter. Criteria: ACMG Guidelines, 2015. Collection method: clinical testing. Allele origin: germline.

Natera, Inc.
Classification: Uncertain significance for Retinitis pigmentosa. Last evaluated: 2020-04-16. Review status: no assertion criteria provided. Collection method: clinical testing. Allele origin: germline. Not counted in ClinVar's aggregate classification.